The following is an entry in ClinVar:

NM_000283.4(PDE6B):c.31T>C (p.Phe11Leu)

Gene: PDE6B (phosphodiesterase 6B; plus strand). Cytogenetic location: 4p16.3.
Variant type: single nucleotide variant.
Coding change: c.31T>C on transcript NM_000283.4 (MANE Select); coding-DNA position 31, T replaced by C.
Protein change: p.Phe11Leu; replaces phenylalanine 11 with leucine.
Molecular consequence: missense variant.
Genome position (GRCh38, 1-based): chr4:625,657, T>C. VCF-style: chr4-625657-T-C. GRCh37 (hg19) VCF-style: chr4-619446-T-C.
Other names: c.31T>C, p.Phe11Leu (NM_001145291.2, NM_001440547.1, NM_001440548.1); short protein forms F11L.
Identifiers: ClinVar variation 4808305 (VCV004808305.1).

ClinVar aggregate classification (germline): Uncertain significance (1 of 4 stars; one submission).

Submission:

Labcorp Genetics (formerly Invitae), Labcorp
Classification: Uncertain significance. Last evaluated: 2025-09-10. Review status: criteria provided, single submitter. Criteria: Invitae Variant Classification Sherloc (09022015). Collection method: clinical testing. Allele origin: germline.
Comment: This sequence change replaces phenylalanine, which is neutral and non-polar, with leucine, which is neutral and non-polar, at codon 11 of the PDE6B protein (p.Phe11Leu). This variant is present in population databases (rs764396309, gnomAD 0.0009%). This variant has not been reported in the literature in individuals affected with PDE6B-related conditions. Invitae Evidence Modeling of protein sequence and biophysical properties (such as structural, functional, and spatial information, amino acid conservation, physicochemical variation, residue mobility, and thermodynamic stability) has been performed for this missense variant. However, the output from this modeling did not meet the statistical confidence thresholds required to predict the impact of this variant on PDE6B protein function. In summary, the available evidence is currently insufficient to determine the role of this variant in disease. Therefore, it has been classified as a Variant of Uncertain Significance.